The following is an entry in ClinVar:

NM_005219.5(DIAPH1):c.2239A>G (p.Met747Val)

Gene: DIAPH1 (diaphanous related formin 1; minus strand). Cytogenetic location: 5q31.3.
Variant type: single nucleotide variant.
Coding change: c.2239A>G on transcript NM_005219.5 (MANE Select); coding-DNA position 2239, A replaced by G.
Protein change: p.Met747Val; replaces methionine 747 with valine.
Molecular consequence: missense variant.
Genome position (GRCh38, 1-based): chr5:141,573,611, T>C on the plus strand (A>G on the coding strand, the complement: DIAPH1 is on the minus strand). VCF-style: chr5-141573611-T-C. GRCh37 (hg19) VCF-style: chr5-140953178-T-C.
Other names: c.2212A>G, p.Met738Val (NM_001079812.3); c.2239A>G, p.Met747Val (NM_001314007.2); short protein forms M738V, M747V.
Identifiers: ClinVar variation 1506611 (VCV001506611.8), dbSNP rs750444590, ClinGen allele CA128436953.

ClinVar aggregate classification (germline): Uncertain significance (1 of 4 stars; one submission).

Conditions:
Progressive microcephaly-seizures-cortical blindness-developmental delay syndrome. Also called: Seizures, cortical blindness, and microcephaly syndrome. Identifiers: Orphanet 477814, MedGen C5567650, MONDO:0014714, OMIM 616632.
Autosomal dominant nonsyndromic hearing loss 1. Also called: DEAFNESS, AUTOSOMAL DOMINANT 1, WITH OR WITHOUT THROMBOCYTOPENIA; KONIGSMARK SYNDROME. Identifiers: Orphanet 90635, MedGen C1852282, MONDO:0007424, OMIM 124900.

Allele frequency attached by ClinVar (database versions not stated): TOPMed below 0.00001; gnomAD exomes 0.00001.
gnomAD v4.1: 9 of 1,613,334 alleles (0.00056%); highest among the groups gnomAD compares: Non-Finnish European, 0.00076%; no homozygotes.

Submission:

Labcorp Genetics (formerly Invitae), Labcorp
Classification: Uncertain significance for Progressive microcephaly-seizures-cortical blindness-developmental delay syndrome; Autosomal dominant nonsyndromic hearing loss 1. Last evaluated: 2024-03-29. Review status: criteria provided, single submitter. Criteria: Invitae Variant Classification Sherloc (09022015). Collection method: clinical testing. Allele origin: germline.
Comment: This sequence change replaces methionine, which is neutral and non-polar, with valine, which is neutral and non-polar, at codon 747 of the DIAPH1 protein (p.Met747Val). This variant is not present in population databases (gnomAD no frequency). This variant has not been reported in the literature in individuals affected with DIAPH1-related conditions. ClinVar contains an entry for this variant (Variation ID: 1506611). Algorithms developed to predict the effect of missense changes on protein structure and function output the following: SIFT: "Not Available"; PolyPhen-2: "Not Available"; Align-GVGD: "Not Available". The valine amino acid residue is found in multiple mammalian species, which suggests that this missense change does not adversely affect protein function. In summary, the available evidence is currently insufficient to determine the role of this variant in disease. Therefore, it has been classified as a Variant of Uncertain Significance.